The following is an entry in ClinVar:

NM_005219.5(DIAPH1):c.427A>G (p.Lys143Glu)

Gene: DIAPH1 (diaphanous related formin 1; minus strand). Cytogenetic location: 5q31.3.
Variant type: single nucleotide variant.
Coding change: c.427A>G on transcript NM_005219.5 (MANE Select); coding-DNA position 427, A replaced by G.
Protein change: p.Lys143Glu; replaces lysine 143 with glutamic acid.
Molecular consequence: missense variant.
Genome position (GRCh38, 1-based): chr5:141,583,591, T>C on the plus strand (A>G on the coding strand, the complement: DIAPH1 is on the minus strand). VCF-style: chr5-141583591-T-C. GRCh37 (hg19) VCF-style: chr5-140963158-T-C.
Other names: c.400A>G, p.Lys134Glu (NM_001079812.3); c.427A>G, p.Lys143Glu (NM_001314007.2); short protein forms K143E, K134E.
Identifiers: ClinVar variation 2934733 (VCV002934733.3), dbSNP rs758148602, ClinGen allele CA3479598.

ClinVar aggregate classification (germline): Uncertain significance (1 of 4 stars; one submission).

Conditions:
Progressive microcephaly-seizures-cortical blindness-developmental delay syndrome. Also called: Seizures, cortical blindness, and microcephaly syndrome. Identifiers: Orphanet 477814, MedGen C5567650, MONDO:0014714, OMIM 616632.
Autosomal dominant nonsyndromic hearing loss 1. Also called: KONIGSMARK SYNDROME; DEAFNESS, AUTOSOMAL DOMINANT 1, WITH OR WITHOUT THROMBOCYTOPENIA. Identifiers: Orphanet 90635, MedGen C1852282, MONDO:0007424, OMIM 124900.

Allele frequency attached by ClinVar (database versions not stated): ExAC 0.00001; gnomAD exomes 0.00001.
gnomAD v4.1: 14 of 1,614,238 alleles (0.00087%); highest among the groups gnomAD compares: Non-Finnish European, 0.0011%; no homozygotes.

Submission:

Labcorp Genetics (formerly Invitae), Labcorp
Classification: Uncertain significance for Progressive microcephaly-seizures-cortical blindness-developmental delay syndrome; Autosomal dominant nonsyndromic hearing loss 1. Last evaluated: 2023-10-22. Review status: criteria provided, single submitter. Criteria: Invitae Variant Classification Sherloc (09022015). Collection method: clinical testing. Allele origin: germline.
Comment: This sequence change replaces lysine, which is basic and polar, with glutamic acid, which is acidic and polar, at codon 143 of the DIAPH1 protein (p.Lys143Glu). This variant is present in population databases (rs758148602, gnomAD 0.002%). This variant has not been reported in the literature in individuals affected with DIAPH1-related conditions. Experimental studies and prediction algorithms are not available or were not evaluated, and the functional significance of this variant is currently unknown. In summary, the available evidence is currently insufficient to determine the role of this variant in disease. Therefore, it has been classified as a Variant of Uncertain Significance.